The following is an entry in ClinVar:

NM_004448.4(ERBB2):c.1295G>A (p.Arg432Gln)

Gene: ERBB2 (erb-b2 receptor tyrosine kinase 2; plus strand). Cytogenetic location: 17q12.
Variant type: single nucleotide variant.
Coding change: c.1295G>A on transcript NM_004448.4 (MANE Select); coding-DNA position 1295, G replaced by A.
Protein change: p.Arg432Gln; replaces arginine 432 with glutamine.
Molecular consequence: missense variant. On other transcripts: non-coding transcript variant (1), intron variant (1).
Genome position (GRCh38, 1-based): chr17:39,715,518, G>A. VCF-style: chr17-39715518-G-A. GRCh37 (hg19) VCF-style: chr17-37871771-G-A.
Other names: c.1205G>A, p.Arg402Gln (NM_001005862.3, NM_001289938.2, NM_001382782.1 and 1 more transcripts); c.1250G>A, p.Arg417Gln (NM_001289936.2); c.1295G>A, p.Arg432Gln (NM_001289937.2, NM_001382785.1, NM_001382788.1 and 13 more transcripts); c.1412G>A, p.Arg471Gln (NM_001382784.1, NM_001382786.1); c.1370G>A, p.Arg457Gln (NM_001382787.1); c.1286G>A, p.Arg429Gln (NM_001382791.1); c.1115G>A, p.Arg372Gln (NM_001382799.1); c.1037G>A, p.Arg346Gln (NM_001382802.1); and 2 more; short protein forms R346Q, R457Q, R372Q, R432Q, R471Q, R156Q, R429Q, R402Q.
Identifiers: ClinVar variation 1983124 (VCV001983124.4), dbSNP rs1029745309, ClinGen allele CA290430506.

ClinVar aggregate classification (germline): Uncertain significance (1 of 4 stars; one submission).

Allele frequency attached by ClinVar (database versions not stated): gnomAD exomes below 0.00001; TOPMed below 0.00001.
gnomAD v4.1: 7 of 1,614,150 alleles (0.00043%); highest among the groups gnomAD compares: Non-Finnish European, 0.00042%; no homozygotes.

Submission:

Labcorp Genetics (formerly Invitae), Labcorp
Classification: Uncertain significance. Last evaluated: 2023-08-17. Review status: criteria provided, single submitter. Criteria: Invitae Variant Classification Sherloc (09022015). Collection method: clinical testing. Allele origin: germline.
Comment: This sequence change replaces arginine, which is basic and polar, with glutamine, which is neutral and polar, at codon 432 of the ERBB2 protein (p.Arg432Gln). This variant is not present in population databases (gnomAD no frequency). This variant has not been reported in the literature in individuals affected with ERBB2-related conditions. ClinVar contains an entry for this variant (Variation ID: 1983124). Advanced modeling of protein sequence and biophysical properties (such as structural, functional, and spatial information, amino acid conservation, physicochemical variation, residue mobility, and thermodynamic stability) performed at Invitae indicates that this missense variant is not expected to disrupt ERBB2 protein function. In summary, the available evidence is currently insufficient to determine the role of this variant in disease. Therefore, it has been classified as a Variant of Uncertain Significance.